The following is an entry in ClinVar:

ClinVar aggregate classification (germline): Uncertain significance (1 of 4 stars; one submission).

Conditions:
Inborn genetic diseases. Identifiers: MedGen C0950123, MeSH D030342.

Submission:

Ambry Genetics
Classification: Uncertain significance for Inborn genetic diseases. Last evaluated: 2022-01-07. Review status: criteria provided, single submitter. Criteria: Ambry Variant Classification Scheme 2023. Collection method: clinical testing. Allele origin: germline.
Comment: The c.78_83dupCTCGGC (p.S27_A28dup) alteration is located in exon 1 (coding exon 1) of the KDM3B gene. The alteration consists of an in-frame duplication of 6 nucleotides from position 78 to 83, resulting in the duplication of <NA> residues. Based on insufficient or conflicting evidence, the clinical significance of this alteration remains unclear.

NM_016604.4(KDM3B):c.72CTCGGC[3] (p.Ala28_Pro29insSerAla)

Genes: KDM3B (lysine demethylase 3B; plus strand), LOC129994737 (ATAC-STARR-seq lymphoblastoid silent region 16394; plus strand). Cytogenetic location: 5q31.2.
Variant type: Microsatellite.
Coding change: c.72CTCGGC[3] on transcript NM_016604.4 (MANE Select); three copies in a row of the 6-base unit CTCGGC starting at c.72; the reference has two copies in a row; one copy, 6 bases duplicated.
Protein change: p.Ala28_Pro29insSerAla.
Molecular consequence: inframe insertion.
Genome position (GRCh38, 1-based): chr5:138,352,873-138,352,878, CTCGGC duplicated; duplicating any 6 consecutive bases within chr5:138,352,865-138,352,878 gives the same sequence; the position shown is the placement nearest the transcript's 3' end. VCF-style (leftmost placement, unchanged base first): chr5-138352864-A-AGCCTCG. GRCh37 (hg19) VCF-style: chr5-137688553-A-AGCCTCG.
Identifiers: ClinVar variation 2407379 (VCV002407379.2), dbSNP rs1402643589, ClinGen allele CA563497693.